The following is an entry in ClinVar:

NM_030780.5(SLC25A32):c.103T>G (p.Leu35Val)

Gene: SLC25A32 (solute carrier family 25 member 32; minus strand). Cytogenetic location: 8q22.3.
Variant type: single nucleotide variant.
Coding change: c.103T>G on transcript NM_030780.5 (MANE Select); coding-DNA position 103, T replaced by G.
Protein change: p.Leu35Val; replaces leucine 35 with valine.
Molecular consequence: missense variant. On other transcripts: non-coding transcript variant (2).
Genome position (GRCh38, 1-based): chr8:103,414,835, A>C on the plus strand (T>G on the coding strand, the complement: SLC25A32 is on the minus strand). VCF-style: chr8-103414835-A-C. GRCh37 (hg19) VCF-style: chr8-104427063-A-C.
Other names: short protein forms L35V.
Identifiers: ClinVar variation 2407636 (VCV002407636.4), dbSNP rs539672574, ClinGen allele CA4835587.
Genomic context (GRCh38, chr8:103,414,835, plus strand): 5'-GGCTCTTACCGGCGAAGCGGATCTTCACGAGGTCGAGCGGATGCAGCGCAAGGTTGGATA[A>C]GACGCCGCCGCTCACGCCCGCTATCAGGTTCTCATACCGGACGTGGCGGAATACCGTGCT-3'
Protein context (NP_110407.2, residues 25-45): NLIAGVSGGV[Leu35Val]SNLALHPLDL

ClinVar aggregate classification (germline): Uncertain significance. Review status: criteria provided, multiple submitters, no conflicts (2 of 4 stars). 2 submissions from 2 submitters: Uncertain significance (2). Last evaluated 2024-11-12.

Allele frequency attached by ClinVar (database versions not stated): gnomAD 0.00004; gnomAD exomes 0.00009; 1000 Genomes Project 0.00020; ExAC 0.00020; 1000 Genomes Project 30x 0.00031.
gnomAD v4.1: 128 of 1,613,824 alleles (0.0079%); highest among the groups gnomAD compares: South Asian, 0.14%; no homozygotes.

Submissions (2):

Labcorp Genetics (formerly Invitae), Labcorp
Classification: Uncertain significance. Last evaluated: 2024-11-12. Review status: criteria provided, single submitter. Criteria: Invitae Variant Classification Sherloc (09022015). Collection method: clinical testing. Allele origin: germline.
Comment: This sequence change replaces leucine, which is neutral and non-polar, with valine, which is neutral and non-polar, at codon 35 of the SLC25A32 protein (p.Leu35Val). This variant is present in population databases (rs539672574, gnomAD 0.1%), and has an allele count higher than expected for a pathogenic variant. This variant has not been reported in the literature in individuals affected with SLC25A32-related conditions. ClinVar contains an entry for this variant (Variation ID: 2407636). Invitae Evidence Modeling of protein sequence and biophysical properties (such as structural, functional, and spatial information, amino acid conservation, physicochemical variation, residue mobility, and thermodynamic stability) indicates that this missense variant is not expected to disrupt SLC25A32 protein function with a negative predictive value of 80%. In summary, the available evidence is currently insufficient to determine the role of this variant in disease. Therefore, it has been classified as a Variant of Uncertain Significance.

Ambry Genetics
Classification: Uncertain significance. Last evaluated: 2021-10-27. Review status: criteria provided, single submitter. Criteria: Ambry Variant Classification Scheme 2023. Collection method: clinical testing. Allele origin: germline.